The following is an entry in ClinVar:

NM_001364564.1(SALL2):c.2712G>C (p.Glu904Asp)

Gene: SALL2 (spalt like transcription factor 2; minus strand). Cytogenetic location: 14q11.2.
Variant type: single nucleotide variant.
Coding change: c.2712G>C on transcript NM_001364564.1 (MANE Select); coding-DNA position 2712, G replaced by C.
Protein change: p.Glu904Asp; replaces glutamic acid 904 with aspartic acid.
Molecular consequence: missense variant.
Genome position (GRCh38, 1-based): chr14:21,523,010, C>G on the plus strand (G>C on the coding strand, the complement: SALL2 is on the minus strand). VCF-style: chr14-21523010-C-G. GRCh37 (hg19) VCF-style: chr14-21991144-C-G.
Other names: c.2313G>C, p.Glu771Asp (NM_001291446.2); c.2307G>C, p.Glu769Asp (NM_001291447.2); c.2718G>C, p.Glu906Asp (NM_005407.3); c.2718G>C (NM_005407.2); short protein forms E769D, E906D, E771D, E904D.
Identifiers: ClinVar variation 2040752 (VCV002040752.6), dbSNP rs61736009, ClinGen allele CA7093432.

ClinVar aggregate classification (germline): Benign. Review status: criteria provided, single submitter (1 of 4 stars). 2 submissions from 2 submitters: Benign (1). 1 of the submissions does not count toward it. Last evaluated 2025-10-22.

Conditions:
SALL2-related disorder. Also called: SALL2-related condition.

Allele frequency attached by ClinVar (database versions not stated): 1000 Genomes Project 0.05451; ESP Exome Variant Server 0.05690; 1000 Genomes Project 30x 0.05731; TOPMed 0.05796.
gnomAD v4.1: 15,833 of 1,614,116 alleles (0.98%); highest among the groups gnomAD compares: African/African-American, 18%; 1,245 homozygotes.

Submissions (2):

Labcorp Genetics (formerly Invitae), Labcorp
Classification: Benign. Last evaluated: 2025-10-22. Review status: criteria provided, single submitter. Criteria: Invitae Variant Classification Sherloc (09022015). Collection method: clinical testing. Allele origin: germline.

PreventionGenetics, part of Exact Sciences
Classification: Benign for SALL2-related condition. Last evaluated: 2019-09-23. Review status: no assertion criteria provided. Collection method: clinical testing. Allele origin: germline. Not counted in ClinVar's aggregate classification.
Comment: This variant is classified as benign based on ACMG/AMP sequence variant interpretation guidelines (Richards et al. 2015 PMID: 25741868, with internal and published modifications).